The following is an entry in ClinVar:

NM_018026.4(PACS1):c.1972C>T (p.Arg658Cys)

Gene: PACS1 (phosphofurin acidic cluster sorting protein 1; plus strand). Cytogenetic location: 11q13.2.
Variant type: single nucleotide variant.
Coding change: c.1972C>T on transcript NM_018026.4 (MANE Select); coding-DNA position 1972, C replaced by T.
Protein change: p.Arg658Cys; replaces arginine 658 with cysteine.
Molecular consequence: missense variant.
Genome position (GRCh38, 1-based): chr11:66,233,918, C>T. VCF-style: chr11-66233918-C-T. GRCh37 (hg19) VCF-style: chr11-66001389-C-T.
Other names: c.1972C>T (NM_018026.2); short protein forms R658C.
Identifiers: ClinVar variation 2082625 (VCV002082625.7), dbSNP rs1041485549, ClinGen allele CA224037237.

ClinVar aggregate classification (germline): Uncertain significance. Review status: criteria provided, multiple submitters, no conflicts (2 of 4 stars). 3 submissions from 3 submitters: Uncertain significance (3). Last evaluated 2025-05-29.

Conditions:
Schuurs-Hoeijmakers syndrome. Also called: PACS1-Related Neurodevelopmental Disorder. Identifiers: Orphanet 329224, MedGen C3554343, MONDO:0014006, OMIM 615009.
Inborn genetic diseases. Identifiers: MedGen C0950123, MeSH D030342.

Allele frequency attached by ClinVar (database versions not stated): gnomAD 0.00001; TOPMed 0.00001.
gnomAD v4.1: 3 of 1,579,730 alleles (0.00019%); highest among the groups gnomAD compares: African/African-American, 0.0013%; no homozygotes.

Submissions (3):

Ambry Genetics
Classification: Uncertain significance for Inborn genetic diseases. Last evaluated: 2025-05-29. Review status: criteria provided, single submitter. Criteria: Ambry Variant Classification Scheme 2023. Collection method: clinical testing. Allele origin: germline.

Labcorp Genetics (formerly Invitae), Labcorp
Classification: Uncertain significance for Schuurs-Hoeijmakers syndrome. Last evaluated: 2024-03-28. Review status: criteria provided, single submitter. Criteria: Invitae Variant Classification Sherloc (09022015). Collection method: clinical testing. Allele origin: germline.
Comment: This sequence change replaces arginine, which is basic and polar, with cysteine, which is neutral and slightly polar, at codon 658 of the PACS1 protein (p.Arg658Cys). This variant is not present in population databases (gnomAD no frequency). This variant has not been reported in the literature in individuals affected with PACS1-related conditions. ClinVar contains an entry for this variant (Variation ID: 2082625). Advanced modeling of protein sequence and biophysical properties (such as structural, functional, and spatial information, amino acid conservation, physicochemical variation, residue mobility, and thermodynamic stability) has been performed at Invitae for this missense variant, however the output from this modeling did not meet the statistical confidence thresholds required to predict the impact of this variant on PACS1 protein function. In summary, the available evidence is currently insufficient to determine the role of this variant in disease. Therefore, it has been classified as a Variant of Uncertain Significance.

Laboratorio de Genetica e Diagnostico Molecular, Hospital Israelita Albert Einstein
Classification: Uncertain significance for Schuurs-Hoeijmakers syndrome. Last evaluated: 2022-06-24. Review status: criteria provided, single submitter. Criteria: ACMG Guidelines, 2015. Collection method: clinical testing. Allele origin: germline. Affected: yes.
Comment: ACMG classification criteria: PM2 moderate, PP2 supporting